The following is an entry in ClinVar:

NM_015559.3(SETBP1):c.4572_4574dup (p.Pro1529dup)

Gene: SETBP1 (SET binding protein 1; plus strand). Cytogenetic location: 18q12.3.
Variant type: Duplication.
Coding change: c.4572_4574dup on transcript NM_015559.3 (MANE Select); coding-DNA positions 4572 to 4574, 3 bases duplicated (GCC; older notation c.4572_4574dupGCC).
Protein change: p.Pro1529dup; duplicates proline 1529.
Molecular consequence: inframe insertion.
Genome position (GRCh38, 1-based): chr18:45,063,479-45,063,481, GCC duplicated; duplicating any 3 consecutive bases within chr18:45,063,477-45,063,481 gives the same sequence; the c. name uses the placement nearest the transcript's 3' end. VCF-style (leftmost placement, unchanged base first): chr18-45063476-C-CCCG. GRCh37 (hg19) VCF-style: chr18-42643441-C-CCCG.
Other names: c.4572_4574dup, p.Pro1529dup (NM_001379141.1, NM_001379142.1).
Identifiers: ClinVar variation 1478543 (VCV001478543.6), dbSNP rs2145594596, ClinGen allele CA2573155332.

ClinVar aggregate classification (germline): Uncertain significance (1 of 4 stars; one submission).

Submission:

Labcorp Genetics (formerly Invitae), Labcorp
Classification: Uncertain significance. Last evaluated: 2021-08-26. Review status: criteria provided, single submitter. Criteria: Invitae Variant Classification Sherloc (09022015). Collection method: clinical testing. Allele origin: germline.
Comment: In summary, the available evidence is currently insufficient to determine the role of this variant in disease. Therefore, it has been classified as a Variant of Uncertain Significance. Experimental studies and prediction algorithms are not available or were not evaluated, and the functional significance of this variant is currently unknown. This variant has not been reported in the literature in individuals affected with SETBP1-related conditions. The frequency data for this variant in the population databases is considered unreliable, as metrics indicate insufficient coverage at this position in the ExAC database. This variant, c.4572_4574dup, results in the insertion of 1 amino acid(s) to the SETBP1 protein (p.Pro1529dup), but otherwise preserves the integrity of the reading frame.